The following is an entry in ClinVar:

ClinVar aggregate classification (germline): Likely pathogenic (1 of 4 stars; one submission).

Submission:

Labcorp Genetics (formerly Invitae), Labcorp
Classification: Likely pathogenic. Last evaluated: 2024-01-27. Review status: criteria provided, single submitter. Criteria: Invitae Variant Classification Sherloc (09022015). Collection method: clinical testing. Allele origin: germline.
Comment: This sequence change affects an acceptor splice site in intron 3 of the NDUFAF5 gene. It is expected to disrupt RNA splicing. Variants that disrupt the donor or acceptor splice site typically lead to a loss of protein function (PMID: 16199547), and loss-of-function variants in NDUFAF5 are known to be pathogenic (PMID: 26275793, 30473481, 32918965). This variant is not present in population databases (gnomAD no frequency). This variant has not been reported in the literature in individuals affected with NDUFAF5-related conditions. Algorithms developed to predict the effect of sequence changes on RNA splicing suggest that this variant may disrupt the consensus splice site. In summary, the currently available evidence indicates that the variant is pathogenic, but additional data are needed to prove that conclusively. Therefore, this variant has been classified as Likely Pathogenic.

Literature cited by the submitters: PubMed 16199547; PubMed 26275793; PubMed 30473481; PubMed 32918965.

NM_024120.5(NDUFAF5):c.328-1G>A

Gene: NDUFAF5 (NADH:ubiquinone oxidoreductase complex assembly factor 5; plus strand). Cytogenetic location: 20p12.1.
Variant type: single nucleotide variant.
Coding change: c.328-1G>A on transcript NM_024120.5 (MANE Select); the canonical splice acceptor site of the intron before coding-DNA position 328, G replaced by A.
Molecular consequence: splice acceptor variant. On other transcripts: missense variant (1), 5 prime UTR variant (1), non-coding transcript variant (2).
Genome position (GRCh38, 1-based): chr20:13,793,179, G>A. VCF-style: chr20-13793179-G-A. GRCh37 (hg19) VCF-style: chr20-13773825-G-A.
Other names: c.347G>A, p.Arg116Lys (NM_001039375.3); c.-235G>A (NM_001352406.2); c.-234-1G>A (NM_001352407.2); c.-40-1G>A (NM_001352403.2); c.328-1G>A (NM_001352408.2); short protein forms R116K.
Identifiers: ClinVar variation 3633103 (VCV003633103.2).